The following is an entry in ClinVar:

NM_006767.4(LZTR1):c.264-1G>A

Gene: LZTR1 (leucine zipper like post translational regulator 1; plus strand). Cytogenetic location: 22q11.21.
Variant type: single nucleotide variant.
Coding change: c.264-1G>A on transcript NM_006767.4 (MANE Select); the canonical splice acceptor site of the intron before coding-DNA position 264, G replaced by A.
Molecular consequence: splice acceptor variant.
Genome position (GRCh38, 1-based): chr22:20,985,840, G>A. VCF-style: chr22-20985840-G-A. GRCh37 (hg19) VCF-style: chr22-21340129-G-A.
Identifiers: ClinVar variation 2676388 (VCV002676388.4), dbSNP rs2518610578, ClinGen allele CA410778765.

ClinVar aggregate classification (germline): Likely pathogenic. Review status: criteria provided, multiple submitters, no conflicts (2 of 4 stars). 2 submissions from 2 submitters: Likely pathogenic (2). Last evaluated 2024-01-19.

Conditions:
LZTR1-related schwannomatosis. Also called: Schwannomatosis-2, susceptibility to; Schwannomatosis 2. Identifiers: Orphanet 93921, MedGen C3810283, MONDO:0014299, OMIM 615670.

Allele frequency attached by ClinVar (database versions not stated): gnomAD exomes below 0.00001.
gnomAD v4.1: 3 of 1,614,116 alleles (0.00019%); highest among the groups gnomAD compares: Non-Finnish European, 0.00025%; no homozygotes.

Submissions (2):

Labcorp Genetics (formerly Invitae), Labcorp
Classification: Likely pathogenic. Last evaluated: 2024-01-19. Review status: criteria provided, single submitter. Criteria: Invitae Variant Classification Sherloc (09022015). Collection method: clinical testing. Allele origin: germline.
Comment: This sequence change affects an acceptor splice site in intron 2 of the LZTR1 gene. It is expected to disrupt RNA splicing. Variants that disrupt the donor or acceptor splice site typically lead to a loss of protein function (PMID: 16199547), and loss-of-function variants in LZTR1 are known to be pathogenic (PMID: 24362817, 25335493, 25480913, 25795793, 29469822, 30368668, 30442762, 30442766, 30481304, 30859559). This variant is not present in population databases (gnomAD no frequency). This variant has not been reported in the literature in individuals affected with LZTR1-related conditions. Algorithms developed to predict the effect of sequence changes on RNA splicing suggest that this variant may disrupt the consensus splice site. In summary, the currently available evidence indicates that the variant is pathogenic, but additional data are needed to prove that conclusively. Therefore, this variant has been classified as Likely Pathogenic.

Baylor Genetics
Classification: Likely pathogenic for LZTR1-related schwannomatosis. Last evaluated: 2023-09-12. Review status: criteria provided, single submitter. Criteria: ACMG Guidelines, 2015. Collection method: clinical testing. Allele origin: unknown.

Literature cited by the submitters: PubMed 16199547 (cited by Labcorp Genetics (formerly Invitae), Labcorp); PubMed 24362817 (cited by Labcorp Genetics (formerly Invitae), Labcorp); PubMed 25335493 (cited by Labcorp Genetics (formerly Invitae), Labcorp); PubMed 25480913 (cited by Labcorp Genetics (formerly Invitae), Labcorp); PubMed 25795793 (cited by Labcorp Genetics (formerly Invitae), Labcorp); PubMed 29469822 (cited by Labcorp Genetics (formerly Invitae), Labcorp); PubMed 30368668 (cited by Labcorp Genetics (formerly Invitae), Labcorp); PubMed 30442762 (cited by Labcorp Genetics (formerly Invitae), Labcorp); PubMed 30442766 (cited by Labcorp Genetics (formerly Invitae), Labcorp); PubMed 30481304 (cited by Labcorp Genetics (formerly Invitae), Labcorp); PubMed 30859559 (cited by Labcorp Genetics (formerly Invitae), Labcorp).